The following is an entry in ClinVar:

NM_000264.5(PTCH1):c.1815C>G (p.Asp605Glu)

Genes: PTCH1 (patched 1; minus strand), LOC100507346 (uncharacterized LOC100507346; plus strand). Cytogenetic location: 9q22.32.
Variant type: single nucleotide variant.
Coding change: c.1815C>G on transcript NM_000264.5 (MANE Select); coding-DNA position 1815, C replaced by G.
Protein change: p.Asp605Glu; replaces aspartic acid 605 with glutamic acid.
Molecular consequence: missense variant. On other transcripts: non-coding transcript variant (2).
Genome position (GRCh38, 1-based): chr9:95,469,845, G>C on the plus strand (C>G on the coding strand, the complement: PTCH1 is on the minus strand). VCF-style: chr9-95469845-G-C. GRCh37 (hg19) VCF-style: chr9-98232127-G-C.
Other names: c.1659C>G, p.Asp553Glu (NM_001354918.2); c.1617C>G, p.Asp539Glu (NM_001083602.3); c.1812C>G, p.Asp604Glu (NM_001083603.3); c.1362C>G, p.Asp454Glu (NM_001083604.3, NM_001083605.3, NM_001083606.3 and 1 more transcripts); short protein forms D539E, D604E, D454E, D553E, D605E.
Identifiers: ClinVar variation 3707884 (VCV003707884.2).

ClinVar aggregate classification (germline): Uncertain significance (1 of 4 stars; one submission).

Conditions:
Gorlin syndrome. Also called: Nevoid Basal Cell Carcinoma Syndrome; Basal cell nevus syndrome. Identifiers: Orphanet 377, MedGen C0004779, MONDO:0007187.

Submission:

Labcorp Genetics (formerly Invitae), Labcorp
Classification: Uncertain significance for Gorlin syndrome. Last evaluated: 2024-05-28. Review status: criteria provided, single submitter. Criteria: Invitae Variant Classification Sherloc (09022015). Collection method: clinical testing. Allele origin: germline.
Comment: This sequence change replaces aspartic acid, which is acidic and polar, with glutamic acid, which is acidic and polar, at codon 605 of the PTCH1 protein (p.Asp605Glu). This variant is not present in population databases (gnomAD no frequency). This variant has not been reported in the literature in individuals affected with PTCH1-related conditions. Advanced modeling of protein sequence and biophysical properties (such as structural, functional, and spatial information, amino acid conservation, physicochemical variation, residue mobility, and thermodynamic stability) performed at Invitae indicates that this missense variant is not expected to disrupt PTCH1 protein function with a negative predictive value of 95%. In summary, the available evidence is currently insufficient to determine the role of this variant in disease. Therefore, it has been classified as a Variant of Uncertain Significance.